The following is an entry in ClinVar:

NM_000306.4(POU1F1):c.409A>G (p.Asn137Asp)

Gene: POU1F1 (POU class 1 homeobox 1; minus strand). Cytogenetic location: 3p11.2.
Variant type: single nucleotide variant.
Coding change: c.409A>G on transcript NM_000306.4 (MANE Select); coding-DNA position 409, A replaced by G.
Protein change: p.Asn137Asp; replaces asparagine 137 with aspartic acid.
Molecular consequence: missense variant.
Genome position (GRCh38, 1-based): chr3:87,264,318, T>C on the plus strand (A>G on the coding strand, the complement: POU1F1 is on the minus strand). VCF-style: chr3-87264318-T-C. GRCh37 (hg19) VCF-style: chr3-87313468-T-C.
Other names: c.487A>G, p.Asn163Asp (NM_001122757.3); c.409A>G (NM_000306.2); short protein forms N137D, N163D.
Identifiers: ClinVar variation 3902456 (VCV003902456.2).
Genomic context (GRCh38, chr3:87,264,318, plus strand): 5'-TTTTTCCTGTTGCCTTTAACAAGCACATACCTAATTTAATTCGTCTCACTTTAAATTCAT[T>C]GGCAAACTTTTCAAGTTCTCTGATTTCTGGAGAATCCATGTCTATTGGCTCTTCCACCAA-3'
Protein context (NP_000297.1, residues 127-147): PEIRELEKFA[Asn137Asp]EFKVRRIKLG

ClinVar aggregate classification (germline): Uncertain significance. Review status: criteria provided, multiple submitters, no conflicts (2 of 4 stars). 2 submissions from 2 submitters: Uncertain significance (2). Last evaluated 2025-06-18.

Conditions:
Inborn genetic diseases. Identifiers: MedGen C0950123, MeSH D030342.

gnomAD v4.1: 10 of 1,613,656 alleles (0.00062%); highest among the groups gnomAD compares: East Asian, 0.018%; no homozygotes.

Submissions (2):

Ambry Genetics
Classification: Uncertain significance for Inborn genetic diseases. Last evaluated: 2025-06-18. Review status: criteria provided, single submitter. Criteria: Ambry Variant Classification Scheme 2023. Collection method: clinical testing. Allele origin: germline.

Women's Health and Genetics/Laboratory Corporation of America, LabCorp
Classification: Uncertain significance. Last evaluated: 2025-05-06. Review status: criteria provided, single submitter. Criteria: LabCorp Variant Classification Summary - May 2015. Collection method: clinical testing. Allele origin: germline.
Comment: Variant summary: POU1F1 c.409A>G (p.Asn137Asp) results in a conservative amino acid change in the encoded protein sequence. Algorithms developed to predict the effect of missense changes on protein structure and function are either unavailable or do not agree on the potential impact of this missense change. The variant allele was found at a frequency of 2.8e-05 in 251138 control chromosomes. The available data on variant occurrences in the general population are insufficient to allow any conclusion about variant significance. To our knowledge, no occurrence of c.409A>G in individuals affected with &phenotype& and no experimental evidence demonstrating its impact on protein function have been reported. No submitters have cited clinical-significance assessments for this variant to ClinVar. Based on the evidence outlined above, the variant was classified as uncertain significance.